The following is an entry in ClinVar:

ClinVar aggregate classification (germline): Uncertain significance. Review status: criteria provided, multiple submitters, no conflicts (2 of 4 stars). 4 submissions from 4 submitters: Uncertain significance (3). 1 of the submissions does not count toward it. Last evaluated 2026-04-16.

Conditions:
Leber congenital amaurosis 1 (LCA1). Also called: Congenital absence of the rods and cones; Leber's congenital tapetoretinal degeneration; Leber's congenital tapetoretinal dysplasia; AMAUROSIS CONGENITA OF LEBER I; RETINAL BLINDNESS, CONGENITAL. Identifiers: Orphanet 65, MedGen C2931258, MONDO:0008764, OMIM 204000.
Cone-rod dystrophy 6 (CORD6). Also called: Cone dystrophy progressive; RETINAL CONE DYSTROPHY 2. Identifiers: Orphanet 1872, MedGen C1866293, MONDO:0011143, OMIM 601777.
Retinal dystrophy. Also called: Inherited retinal dystrophy. Identifiers: Orphanet 71862, MedGen C0854723, MeSH D058499, MONDO:0019118, HP:0000556.
GUCY2D-related disorder. Also called: GUCY2D-related condition.

Allele frequency attached by ClinVar (database versions not stated): gnomAD 0.00007; gnomAD exomes 0.00007; ExAC 0.00008; TOPMed 0.00009.
gnomAD v4.1: 131 of 1,613,906 alleles (0.0081%); highest among the groups gnomAD compares: Middle Eastern, 0.21%; no homozygotes.

Submissions (4):

PreventionGenetics, part of Exact Sciences
Classification: Uncertain significance for GUCY2D-related condition. Last evaluated: 2026-04-16. Review status: criteria provided, single submitter. Criteria: ACMG Guidelines, 2015. Collection method: clinical testing. Allele origin: germline.
Comment: The GUCY2D c.2260G>A variant is predicted to result in the amino acid substitution p.Glu754Lys. To our knowledge, this variant has not been reported in the literature. This variant is present in 0.013% of alleles in individuals of European (Non-Finnish) descent in gnomAD. At this time, the clinical significance of this variant is uncertain due to the absence of conclusive functional and genetic evidence.

Labcorp Genetics (formerly Invitae), Labcorp
Classification: Uncertain significance for Leber congenital amaurosis 1; Cone-rod dystrophy 6. Last evaluated: 2025-10-14. Review status: criteria provided, single submitter. Criteria: Invitae Variant Classification Sherloc (09022015). Collection method: clinical testing. Allele origin: germline.
Comment: This sequence change replaces glutamic acid, which is acidic and polar, with lysine, which is basic and polar, at codon 754 of the GUCY2D protein (p.Glu754Lys). This variant is present in population databases (rs747951577, gnomAD 0.01%). This variant has not been reported in the literature in individuals affected with GUCY2D-related conditions. ClinVar contains an entry for this variant (Variation ID: 937604). Invitae Evidence Modeling of protein sequence and biophysical properties (such as structural, functional, and spatial information, amino acid conservation, physicochemical variation, residue mobility, and thermodynamic stability) indicates that this missense variant is not expected to disrupt GUCY2D protein function with a negative predictive value of 80%. In summary, the available evidence is currently insufficient to determine the role of this variant in disease. Therefore, it has been classified as a Variant of Uncertain Significance.

Blueprint Genetics
Classification: Uncertain significance. Last evaluated: 2024-11-20. Review status: criteria provided, single submitter. Criteria: ACMG Guidelines, 2015. Collection method: clinical testing. Allele origin: germline.

Institute of Human Genetics, Univ. Regensburg, Univ. Regensburg
Classification: Uncertain significance for Retinal dystrophy. Last evaluated: 2022-01-01. Review status: no assertion criteria provided. Criteria: ACMG Guidelines, 2015. Collection method: clinical testing. Allele origin: germline. Affected: yes. Not counted in ClinVar's aggregate classification.

NM_000180.4(GUCY2D):c.2260G>A (p.Glu754Lys)

Gene: GUCY2D (guanylate cyclase 2D, retinal; plus strand). Cytogenetic location: 17p13.1.
Variant type: single nucleotide variant.
Coding change: c.2260G>A on transcript NM_000180.4 (MANE Select); coding-DNA position 2260, G replaced by A.
Protein change: p.Glu754Lys; replaces glutamic acid 754 with lysine.
Molecular consequence: missense variant.
Genome position (GRCh38, 1-based): chr17:8,013,249, G>A. VCF-style: chr17-8013249-G-A. GRCh37 (hg19) VCF-style: chr17-7916567-G-A.
Other names: short protein forms E754K.
Identifiers: ClinVar variation 937604 (VCV000937604.9), dbSNP rs747951577, ClinGen allele CA8366054.
Genomic context (GRCh38, chr17:8,013,249, plus strand): 5'-ATCATCATGCAAGAAGTAGTGTGCCGCAGTGCCCCTTATGCCATGCTGGAGCTCACTCCC[G>A]AGGGTAAGGCTGCCCTGTGCGTGGAGTTCGGCCCACAGGGGCACCCTGCAGTTAGAAAAG-3'
Protein context (NP_000171.1, residues 744-764): APYAMLELTP[Glu754Lys]EVVQRVRSPP